The following is an entry in ClinVar:

NM_002439.5(MSH3):c.2436-20T>A

Gene: MSH3 (mutS homolog 3; plus strand). Cytogenetic location: 5q14.1.
Variant type: single nucleotide variant.
Coding change: c.2436-20T>A on transcript NM_002439.5 (MANE Select); 20 bases into the intron before coding-DNA position 2436, T replaced by A.
Molecular consequence: intron variant.
Genome position (GRCh38, 1-based): chr5:80,787,545, T>A. VCF-style: chr5-80787545-T-A. GRCh37 (hg19) VCF-style: chr5-80083364-T-A.
Other names: c.2436-20T>A (NM_002439.3).
Identifiers: ClinVar variation 1518143 (VCV001518143.7), dbSNP rs2112020088, ClinGen allele CA2573139869.
Genomic context (GRCh38, chr5:80,787,545, plus strand): 5'-AGTGATTGCTTGTTGTAGAGCTATTATAGGTTTAAGATATCAGTTTGCTCACCTTTTTGT[T>A]GTTGCTGCTGCTTCCGTAGGAAATTCAGTGAACATTATCACTCCTTGTGTAAAGCAGTGC-3'

ClinVar aggregate classification (germline): Uncertain significance. Review status: criteria provided, multiple submitters, no conflicts (2 of 4 stars). 2 submissions from 2 submitters: Uncertain significance (2). Last evaluated 2025-01-31.

Conditions:
Hereditary cancer-predisposing syndrome. Also called: Tumor predisposition; Neoplastic Syndromes, Hereditary; Hereditary neoplastic syndrome; Hereditary Cancer Syndrome. Identifiers: Orphanet 140162, MedGen C0027672, MeSH D009386, MONDO:0015356.

Submissions (2):

Ambry Genetics
Classification: Uncertain significance for Hereditary cancer-predisposing syndrome. Last evaluated: 2025-01-31. Review status: criteria provided, single submitter. Criteria: Ambry Variant Classification Scheme 2023. Collection method: clinical testing. Allele origin: germline.
Comment: The c.2436-20T>A intronic variant results from a T to A substitution 20 nucleotides upstream from coding exon 18 in the MSH3 gene. This nucleotide position is not well conserved in available vertebrate species. In silico splice site analysis predicts that this alteration will weaken the native splice acceptor site and will result in the creation or strengthening of a novel splice acceptor site. RNA studies have demonstrated that this alteration results in a splice defect; the clinical impact of this abnormal splicing is unknown at this time (Ambry internal data). Based on the available evidence, the clinical significance of this variant remains unclear.

Labcorp Genetics (formerly Invitae), Labcorp
Classification: Uncertain significance. Last evaluated: 2024-06-29. Review status: criteria provided, single submitter. Criteria: Invitae Variant Classification Sherloc (09022015). Collection method: clinical testing. Allele origin: germline.
Comment: This sequence change falls in intron 17 of the MSH3 gene. It does not directly change the encoded amino acid sequence of the MSH3 protein. This variant is not present in population databases (gnomAD no frequency). This variant has not been reported in the literature in individuals affected with MSH3-related conditions. ClinVar contains an entry for this variant (Variation ID: 1518143). Algorithms developed to predict the effect of sequence changes on RNA splicing suggest that this variant may disrupt the consensus splice site. In summary, the available evidence is currently insufficient to determine the role of this variant in disease. Therefore, it has been classified as a Variant of Uncertain Significance.